The following is an entry in ClinVar:

NM_018026.4(PACS1):c.484C>T (p.Pro162Ser)

Gene: PACS1 (phosphofurin acidic cluster sorting protein 1; plus strand). Cytogenetic location: 11q13.2.
Variant type: single nucleotide variant.
Coding change: c.484C>T on transcript NM_018026.4 (MANE Select); coding-DNA position 484, C replaced by T.
Protein change: p.Pro162Ser; replaces proline 162 with serine.
Molecular consequence: missense variant.
Genome position (GRCh38, 1-based): chr11:66,210,401, C>T. VCF-style: chr11-66210401-C-T. GRCh37 (hg19) VCF-style: chr11-65977872-C-T.
Other names: short protein forms P162S.
Identifiers: ClinVar variation 4746458 (VCV004746458.1).

ClinVar aggregate classification (germline): Uncertain significance (1 of 4 stars; one submission).

Conditions:
Schuurs-Hoeijmakers syndrome. Also called: PACS1-Related Neurodevelopmental Disorder. Identifiers: Orphanet 329224, MedGen C3554343, MONDO:0014006, OMIM 615009.

Submission:

Labcorp Genetics (formerly Invitae), Labcorp
Classification: Uncertain significance for Schuurs-Hoeijmakers syndrome. Last evaluated: 2025-03-19. Review status: criteria provided, single submitter. Criteria: Invitae Variant Classification Sherloc (09022015). Collection method: clinical testing. Allele origin: germline.
Comment: This sequence change replaces proline, which is neutral and non-polar, with serine, which is neutral and polar, at codon 162 of the PACS1 protein (p.Pro162Ser). This variant is not present in population databases (gnomAD no frequency). This variant has not been reported in the literature in individuals affected with PACS1-related conditions. Invitae Evidence Modeling of protein sequence and biophysical properties (such as structural, functional, and spatial information, amino acid conservation, physicochemical variation, residue mobility, and thermodynamic stability) indicates that this missense variant is not expected to disrupt PACS1 protein function with a negative predictive value of 80%. In summary, the available evidence is currently insufficient to determine the role of this variant in disease. Therefore, it has been classified as a Variant of Uncertain Significance.